The following is an entry in ClinVar:

ClinVar aggregate classification (germline): Uncertain significance. Review status: criteria provided, multiple submitters, no conflicts (2 of 4 stars). 2 submissions from 2 submitters: Uncertain significance (2). Last evaluated 2026-03-26.

Submissions (2):

GeneDx
Classification: Uncertain significance. Last evaluated: 2026-03-26. Review status: criteria provided, single submitter. Criteria: GeneDx Variant Classification Process June 2021. Collection method: clinical testing. Allele origin: germline.
Comment: Not observed at significant frequency in large population cohorts (gnomAD); In silico analysis suggests that this missense variant does not alter protein structure/function; Has not been previously published as pathogenic or benign to our knowledge

Labcorp Genetics (formerly Invitae), Labcorp
Classification: Uncertain significance. Last evaluated: 2021-09-27. Review status: criteria provided, single submitter. Criteria: Invitae Variant Classification Sherloc (09022015). Collection method: clinical testing. Allele origin: germline.
Comment: This variant has not been reported in the literature in individuals affected with LAMC3-related conditions. This variant is not present in population databases (ExAC no frequency). This sequence change replaces serine with asparagine at codon 1573 of the LAMC3 protein (p.Ser1573Asn). The serine residue is moderately conserved and there is a small physicochemical difference between serine and asparagine. Algorithms developed to predict the effect of missense changes on protein structure and function output the following: SIFT: "Tolerated"; PolyPhen-2: "Benign"; Align-GVGD: "Class C0". The asparagine amino acid residue is found in multiple mammalian species, which suggests that this missense change does not adversely affect protein function. In summary, the available evidence is currently insufficient to determine the role of this variant in disease. Therefore, it has been classified as a Variant of Uncertain Significance.

NM_006059.4(LAMC3):c.4718G>A (p.Ser1573Asn)

Gene: LAMC3 (laminin subunit gamma 3; plus strand). Cytogenetic location: 9q34.12.
Variant type: single nucleotide variant.
Coding change: c.4718G>A on transcript NM_006059.4 (MANE Select); coding-DNA position 4718, G replaced by A.
Protein change: p.Ser1573Asn; replaces serine 1573 with asparagine.
Molecular consequence: missense variant.
Genome position (GRCh38, 1-based): chr9:131,091,777, G>A. VCF-style: chr9-131091777-G-A. GRCh37 (hg19) VCF-style: chr9-133967164-G-A.
Other names: c.4718G>A (NM_006059.3); short protein forms S1573N.
Identifiers: ClinVar variation 1521702 (VCV001521702.7), dbSNP rs2133358420, ClinGen allele CA375267571.